The following is an entry in ClinVar:

ClinVar aggregate classification (germline): Conflicting classifications of pathogenicity. Review status: criteria provided, conflicting classifications (1 of 4 stars). 3 submissions from 3 submitters: Uncertain significance (1); Likely benign (2). Last evaluated 2023-12-18.

Conditions:
Cardiomyopathy (CMYO). Also called: Cardiomyopathies. Identifiers: Orphanet 167848, MedGen C0878544, MONDO:0004994, HP:0001638. Inheritance: Various modes of inheritance.
Hypertrophic cardiomyopathy. Also called: HYPERTROPHIC MYOCARDIOPATHY. Identifiers: Orphanet 217569, MedGen C0007194, MeSH D002312, MONDO:0005045, HP:0001639.

Allele frequency attached by ClinVar (database versions not stated): TOPMed below 0.00001.
gnomAD v4.1: 3 of 1,606,500 alleles (0.00019%); highest among the groups gnomAD compares: East Asian, 0.0045%; no homozygotes.

Submissions (3):

All of Us Research Program, National Institutes of Health
Classification: Likely benign for Cardiomyopathy. Last evaluated: 2023-12-18. Review status: criteria provided, single submitter. Criteria: ACMG Guidelines, 2015. Collection method: clinical testing. Allele origin: germline. Inheritance: Autosomal dominant inheritance. Observed: 1 variant allele, 1 heterozygote.
Comment: This study involves interpretation of variants in research participants for the purpose of population health screening. Participant phenotype was not available at the time of variant classification. Additional details can be found in publication PMID: 35346344, PMCID: PMC8962531

Labcorp Genetics (formerly Invitae), Labcorp
Classification: Uncertain significance for Hypertrophic cardiomyopathy. Last evaluated: 2023-08-27. Review status: criteria provided, single submitter. Criteria: Invitae Variant Classification Sherloc (09022015). Collection method: clinical testing. Allele origin: germline.
Comment: This variant has not been reported in the literature in individuals affected with MYH7-related conditions. This sequence change falls in intron 37 of the MYH7 gene. It does not directly change the encoded amino acid sequence of the MYH7 protein. It affects a nucleotide within the consensus splice site. This variant is not present in population databases (gnomAD no frequency). ClinVar contains an entry for this variant (Variation ID: 1332312). Variants that disrupt the consensus splice site are a relatively common cause of aberrant splicing (PMID: 17576681, 9536098). Algorithms developed to predict the effect of sequence changes on RNA splicing suggest that this variant is not likely to affect RNA splicing. In summary, the available evidence is currently insufficient to determine the role of this variant in disease. Therefore, it has been classified as a Variant of Uncertain Significance.

Color Diagnostics, LLC DBA Color Health
Classification: Likely benign for Cardiomyopathy. Last evaluated: 2021-05-10. Review status: criteria provided, single submitter. Criteria: ACMG Guidelines, 2015. Collection method: clinical testing. Allele origin: germline.

Literature cited by the submitters: PubMed 17576681 (cited by Labcorp Genetics (formerly Invitae), Labcorp); PubMed 9536098 (cited by Labcorp Genetics (formerly Invitae), Labcorp).

NM_000257.4(MYH7):c.5559+3G>A

Gene: MYH7 (myosin heavy chain 7; minus strand). Cytogenetic location: 14q11.2.
Variant type: single nucleotide variant.
Coding change: c.5559+3G>A on transcript NM_000257.4 (MANE Select); 3 bases into the intron after coding-DNA position 5559, G replaced by A.
Molecular consequence: intron variant.
Genome position (GRCh38, 1-based): chr14:23,414,992, C>T on the plus strand (G>A on the coding strand, the complement: MYH7 is on the minus strand). VCF-style: chr14-23414992-C-T. GRCh37 (hg19) VCF-style: chr14-23884201-C-T.
Identifiers: ClinVar variation 1332312 (VCV001332312.9), dbSNP rs1355535952, ClinGen allele CA704282046.